The following is an entry in ClinVar:

NM_000059.4(BRCA2):c.6373A>T (p.Thr2125Ser)

Gene: BRCA2 (BRCA2 DNA repair associated; plus strand). Cytogenetic location: 13q13.1.
Variant type: single nucleotide variant.
Coding change: c.6373A>T on transcript NM_000059.4 (MANE Select); coding-DNA position 6373, A replaced by T.
Protein change: p.Thr2125Ser; replaces threonine 2125 with serine.
Molecular consequence: missense variant.
Genome position (GRCh38, 1-based): chr13:32,340,728, A>T. VCF-style: chr13-32340728-A-T. GRCh37 (hg19) VCF-style: chr13-32914865-A-T.
Other names: c.6373A>T, p.Thr2125Ser (NM_001406719.1, NM_001406720.1); short protein forms T2125S.
Identifiers: ClinVar variation 2135765 (VCV002135765.7), dbSNP rs2137526815, ClinGen allele CA387789178.

ClinVar aggregate classification (germline): Conflicting classifications of pathogenicity. Review status: criteria provided, conflicting classifications (1 of 4 stars). 3 submissions from 3 submitters: Uncertain significance (1); Likely benign (2). Last evaluated 2025-03-16.

Conditions:
Hereditary breast ovarian cancer syndrome. Also called: Hereditary breast and ovarian cancer; Hereditary breast and/or ovarian cancer syndrome; Hereditary breast and ovarian cancer syndrome (HBOC); Breast and ovarian cancer; Hereditary breast and ovarian cancer syndrome; BRCA1- and BRCA2-Associated Hereditary Breast and Ovarian Cancer. Identifiers: Orphanet 145, MedGen C0677776, MeSH D061325, MONDO:0003582. Disease mechanism: loss of function.
Hereditary cancer-predisposing syndrome. Also called: Hereditary neoplastic syndrome; Hereditary Cancer Syndrome; Tumor predisposition; Neoplastic Syndromes, Hereditary. Identifiers: Orphanet 140162, MedGen C0027672, MeSH D009386, MONDO:0015356.

Allele frequency attached by ClinVar (database versions not stated): gnomAD exomes below 0.00001.
gnomAD v4.1: 1 of 1,605,854 alleles (0.000062%); highest among the groups gnomAD compares: Non-Finnish European, 0.000085%; no homozygotes.

Submissions (3):

Labcorp Genetics (formerly Invitae), Labcorp
Classification: Uncertain significance for Hereditary breast ovarian cancer syndrome. Last evaluated: 2025-03-16. Review status: criteria provided, single submitter. Criteria: Invitae Variant Classification Sherloc (09022015). Collection method: clinical testing. Allele origin: germline.
Comment: This sequence change replaces threonine, which is neutral and polar, with serine, which is neutral and polar, at codon 2125 of the BRCA2 protein (p.Thr2125Ser). This variant is not present in population databases (gnomAD no frequency). This variant has not been reported in the literature in individuals affected with BRCA2-related conditions. ClinVar contains an entry for this variant (Variation ID: 2135765). Invitae Evidence Modeling of protein sequence and biophysical properties (such as structural, functional, and spatial information, amino acid conservation, physicochemical variation, residue mobility, and thermodynamic stability) indicates that this missense variant is not expected to disrupt BRCA2 protein function with a negative predictive value of 95%. In summary, the available evidence is currently insufficient to determine the role of this variant in disease. Therefore, it has been classified as a Variant of Uncertain Significance.

Ambry Genetics
Classification: Likely benign for Hereditary cancer-predisposing syndrome. Last evaluated: 2024-05-14. Review status: criteria provided, single submitter. Criteria: Ambry Variant Classification Scheme 2023. Collection method: clinical testing. Allele origin: germline.

University of Washington Department of Laboratory Medicine, University of Washington
Classification: Likely benign for Hereditary cancer-predisposing syndrome. Last evaluated: 2023-03-23. Review status: criteria provided, single submitter. Criteria: Dines et al. (Genet Med. 2020). Collection method: curation. Allele origin: germline.
Comment: Missense variant in a coldspot region where missense variants are very unlikely to be pathogenic (PMID:31911673).

BRCA2 exon 11 coldspot. Reclassification based on statistical prior probability.